The following is an entry in ClinVar:

NM_018668.5(VPS33B):c.604-3C>A

Gene: VPS33B (VPS33B late endosome and lysosome associated; minus strand). Cytogenetic location: 15q26.1.
Variant type: single nucleotide variant.
Coding change: c.604-3C>A on transcript NM_018668.5 (MANE Select); 3 bases into the intron before coding-DNA position 604, C replaced by A.
Molecular consequence: intron variant.
Genome position (GRCh38, 1-based): chr15:91,007,049, G>T on the plus strand (C>A on the coding strand, the complement: VPS33B is on the minus strand). VCF-style: chr15-91007049-G-T. GRCh37 (hg19) VCF-style: chr15-91550279-G-T.
Other names: c.523-3C>A (NM_001289148.1); c.331-3C>A (NM_001289149.1); c.604-3C>A (NM_018668.4).
Identifiers: ClinVar variation 1686755 (VCV001686755.4), dbSNP rs1166642596, ClinGen allele CA2573151491.

ClinVar aggregate classification (germline): Uncertain significance. Review status: criteria provided, single submitter (1 of 4 stars). 2 submissions from 2 submitters: Uncertain significance (1). 1 of the submissions does not count toward it. Last evaluated 2024-09-05.

Conditions:
VPS33B-related disorder. Also called: VPS33B-related condition.

Submissions (2):

GeneDx
Classification: Uncertain significance. Last evaluated: 2024-09-05. Review status: criteria provided, single submitter. Criteria: GeneDx Variant Classification Process June 2021. Collection method: clinical testing. Allele origin: germline.
Comment: Not observed at significant frequency in large population cohorts (gnomAD); In silico analysis supports a deleterious effect on splicing; Has not been previously published as pathogenic or benign to our knowledge

PreventionGenetics, part of Exact Sciences
Classification: Uncertain significance for VPS33B-related condition. Last evaluated: 2024-06-12. Review status: no assertion criteria provided. Collection method: clinical testing. Allele origin: germline. Not counted in ClinVar's aggregate classification.
Comment: The VPS33B c.604-3C>A variant is predicted to interfere with splicing. To our knowledge, this variant has not been reported in the literature or in a large population database, indicating this variant is rare. The variant is predicted to disrupt splicing (SpliceAI, Jaganathan et al. 2019. PubMed ID: 30661751), which is a known mechanism of pathogenicity in the gene. At this time, the clinical significance of this variant is uncertain due to the absence of conclusive functional and genetic evidence.